The following is an entry in ClinVar:

NM_058216.3(RAD51C):c.379_380insG (p.Pro127fs)

Gene: RAD51C (RAD51 paralog C; plus strand). Cytogenetic location: 17q22.
Variant type: Insertion.
Coding change: c.379_380insG on transcript NM_058216.3 (MANE Select); coding-DNA positions 379 to 380, G inserted.
Protein change: p.Pro127fs; shifts the reading frame from proline 127.
Molecular consequence: frameshift variant. On other transcripts: non-coding transcript variant (2).
Genome position: GRCh38 VCF-style: chr17-58695164-C-CG. GRCh37 (hg19) VCF-style: chr17-56772525-C-CG.
Other names: c.379_380insG, p.Pro127fs (NM_002876.4); c.379_380insG (NM_058216.1); short protein forms P127fs.
Identifiers: ClinVar variation 860928 (VCV000860928.15), dbSNP rs2047958236, ClinGen allele CA916081893.

ClinVar aggregate classification (germline): Pathogenic/Likely pathogenic. Review status: criteria provided, multiple submitters, no conflicts (2 of 4 stars). 5 submissions from 5 submitters: Pathogenic (3); Likely pathogenic (1). 1 of the submissions does not count toward it. Last evaluated 2024-02-06.

Conditions:
Fanconi anemia complementation group O. Also called: RAD51C-Related Fanconi Anemia. Identifiers: Orphanet 84, MedGen C3150653, MONDO:0013248, OMIM 613390.
Breast-ovarian cancer, familial, susceptibility to, 3. Also called: RAD51C-Related Breast/Ovarian Cancer. Identifiers: Orphanet 145, MedGen C3150659, MONDO:0013253, OMIM 613399.
Hereditary cancer-predisposing syndrome. Also called: Hereditary neoplastic syndrome; Tumor predisposition; Neoplastic Syndromes, Hereditary; Hereditary Cancer Syndrome. Identifiers: Orphanet 140162, MedGen C0027672, MeSH D009386, MONDO:0015356.
Breast and/or ovarian cancer. Identifiers: MedGen CN221562.

Submissions (5):

Labcorp Genetics (formerly Invitae), Labcorp
Classification: Pathogenic for Fanconi anemia complementation group O. Last evaluated: 2024-02-06. Review status: criteria provided, single submitter. Criteria: Invitae Variant Classification Sherloc (09022015). Collection method: clinical testing. Allele origin: germline.
Comment: This sequence change creates a premature translational stop signal (p.Pro127Argfs*28) in the RAD51C gene. It is expected to result in an absent or disrupted protein product. Loss-of-function variants in RAD51C are known to be pathogenic (PMID: 20400964, 21990120, 24800917, 29278735). This variant is not present in population databases (gnomAD no frequency). This premature translational stop signal has been observed in individual(s) with ovarian cancer (PMID: 26057125). ClinVar contains an entry for this variant (Variation ID: 860928). For these reasons, this variant has been classified as Pathogenic.

Myriad Genetics, Inc.
Classification: Pathogenic for Breast-ovarian cancer, familial, susceptibility to, 3. Last evaluated: 2024-01-02. Review status: criteria provided, single submitter. Criteria: Myriad Autosomal Dominant, Autosomal Recessive and X-Linked Classification Criteria (2023). Collection method: clinical testing. Allele origin: unknown.
Comment: This variant is considered pathogenic. This variant creates a frameshift predicted to result in premature protein truncation.

MGZ Medical Genetics Center
Classification: Likely pathogenic for Breast-ovarian cancer, familial, susceptibility to, 3. Last evaluated: 2021-07-19. Review status: criteria provided, single submitter. Criteria: ACMG Guidelines, 2015. Collection method: clinical testing. Allele origin: germline. Affected: yes. Observed: 1 variant allele.
Comment: ACMG criteria applied: PVS1, PM2_SUP

Ambry Genetics
Classification: Pathogenic for Hereditary cancer-predisposing syndrome. Last evaluated: 2020-08-19. Review status: criteria provided, single submitter. Criteria: Ambry Variant Classification Scheme 2023. Collection method: clinical testing. Allele origin: germline.
Comment: The c.379_380insG pathogenic mutation, located in coding exon 2 of the RAD51C gene, results from an insertion of one nucleotide at position 379, causing a translational frameshift with a predicted alternate stop codon (p.P127Rfs*28). This alteration was identified in a high-risk BRCA1/BRCA2 negative individual diagnosed with ovarian cancer (Janatova M et al. PLoS ONE, 2015 Jun;10:e0127711). In addition to the clinical data presented in the literature, this alteration is expected to result in loss of function by premature protein truncation or nonsense-mediated mRNA decay. As such, this alteration is interpreted as a disease-causing mutation.

CZECANCA consortium
Classification: Pathogenic for Breast and/or ovarian cancer. Last evaluated: 2019-06-11. Review status: no assertion criteria provided. Collection method: clinical testing. Allele origin: germline. Affected: yes. Observed: 1 variant allele. Not counted in ClinVar's aggregate classification.

Literature cited by the submitters: PubMed 20400964 (cited by Labcorp Genetics (formerly Invitae), Labcorp); PubMed 21990120 (cited by Labcorp Genetics (formerly Invitae), Labcorp); PubMed 24800917 (cited by Labcorp Genetics (formerly Invitae), Labcorp); PubMed 29278735 (cited by Labcorp Genetics (formerly Invitae), Labcorp); PubMed 26057125 (cited by Labcorp Genetics (formerly Invitae), Labcorp and Ambry Genetics); PubMed 32295079 (cited by CZECANCA consortium).